The following is an entry in ClinVar:

ClinVar aggregate classification (germline): Uncertain significance. Review status: criteria provided, multiple submitters, no conflicts (2 of 4 stars). 5 submissions from 5 submitters: Uncertain significance (5). Last evaluated 2025-11-12.

Conditions:
Charcot-Marie-Tooth disease axonal type 2N (CMT2N). Also called: CHARCOT-MARIE-TOOTH DISEASE, AXONAL, AUTOSOMAL DOMINANT, TYPE 2N; CHARCOT-MARIE-TOOTH NEUROPATHY, AXONAL, TYPE 2N; Charcot-Marie-Tooth Neuropathy Type 2N. Identifiers: Orphanet 228174, MedGen C2750090, MONDO:0013212, OMIM 613287.
Inborn genetic diseases. Identifiers: MedGen C0950123, MeSH D030342.
Charcot-Marie-Tooth disease type 2. Also called: Charcot-Marie-Tooth type 2. Identifiers: Orphanet 64746, MedGen C0270914, MONDO:0018993.

Allele frequency attached by ClinVar (database versions not stated): gnomAD exomes 0.00004 and 0.00003; gnomAD 0.00005; TOPMed 0.00005; 1000 Genomes Project 30x 0.00016; 1000 Genomes Project 0.00020; ExAC 0.00004; ESP Exome Variant Server 0.00008.

Submissions (5):

Labcorp Genetics (formerly Invitae), Labcorp
Classification: Uncertain significance for Charcot-Marie-Tooth disease type 2. Last evaluated: 2025-11-12. Review status: criteria provided, single submitter. Criteria: Invitae Variant Classification Sherloc (09022015). Collection method: clinical testing. Allele origin: germline.
Comment: This sequence change replaces arginine, which is basic and polar, with cysteine, which is neutral and slightly polar, at codon 616 of the AARS protein (p.Arg616Cys). This variant is present in population databases (rs372221218, gnomAD 0.01%). This variant has not been reported in the literature in individuals affected with AARS-related conditions. ClinVar contains an entry for this variant (Variation ID: 320335). Invitae Evidence Modeling of protein sequence and biophysical properties (such as structural, functional, and spatial information, amino acid conservation, physicochemical variation, residue mobility, and thermodynamic stability) has been performed for this missense variant. However, the output from this modeling did not meet the statistical confidence thresholds required to predict the impact of this variant on AARS protein function. In summary, the available evidence is currently insufficient to determine the role of this variant in disease. Therefore, it has been classified as a Variant of Uncertain Significance.

Ambry Genetics
Classification: Uncertain significance for Inborn genetic diseases. Last evaluated: 2024-01-29. Review status: criteria provided, single submitter. Criteria: Ambry Variant Classification Scheme 2023. Collection method: clinical testing. Allele origin: germline.

ARUP Laboratories, Molecular Genetics and Genomics, ARUP Laboratories
Classification: Uncertain significance. Last evaluated: 2020-01-09. Review status: criteria provided, single submitter. Criteria: ARUP Molecular Germline Variant Investigation Process. Collection method: clinical testing. Allele origin: germline.
Comment: The AARS c.1846C>T; p.Arg616Cys variant (rs372221218), to our knowledge, is not reported in the medical literature but is reported in ClinVar (Variation ID: 320335). This variant is found in the general population with a low overall allele frequency of 0.004% (11/282876 alleles) in the Genome Aggregation Database. The arginine at codon 616 is highly conserved, and computational analyses (SIFT, PolyPhen-2) predict that this variant is deleterious. However, given the lack of clinical and functional data, the significance of the p.Arg616Cys variant is uncertain at this time.

Illumina Laboratory Services, Illumina
Classification: Uncertain significance for Charcot-Marie-Tooth disease axonal type 2N. Last evaluated: 2018-01-12. Review status: criteria provided, single submitter. Criteria: ICSL Variant Classification Criteria 13 December 2019. Collection method: clinical testing. Allele origin: germline.

Breakthrough Genomics
Classification: Uncertain significance. Review status: criteria provided, single submitter. Criteria: ACMG Guidelines, 2015. Collection method: not provided. Allele origin: germline. Inheritance: Autosomal recessive inheritance. Affected: yes.

NM_001605.3(AARS1):c.1846C>T (p.Arg616Cys)

Gene: AARS1 (alanyl-tRNA synthetase 1; minus strand). Cytogenetic location: 16q22.1.
Variant type: single nucleotide variant.
Coding change: c.1846C>T on transcript NM_001605.3 (MANE Select); coding-DNA position 1846, C replaced by T.
Protein change: p.Arg616Cys; replaces arginine 616 with cysteine.
Molecular consequence: missense variant.
Genome position (GRCh38, 1-based): chr16:70,259,126, G>A on the plus strand (C>T on the coding strand, the complement: AARS1 is on the minus strand). VCF-style: chr16-70259126-G-A. GRCh37 (hg19) VCF-style: chr16-70293029-G-A.
Other names: short protein forms R616C.
Identifiers: ClinVar variation 320335 (VCV000320335.25), dbSNP rs372221218, ClinGen allele CA8140646.